The following is an entry in ClinVar:

ClinVar aggregate classification (germline): Conflicting classifications of pathogenicity. Review status: criteria provided, conflicting classifications (1 of 4 stars). 6 submissions from 6 submitters: Pathogenic (1); Likely pathogenic (4); Uncertain significance (1). Last evaluated 2025-03-21.

Conditions:
Mitochondrial complex I deficiency. Also called: NADH:Q(1) OXIDOREDUCTASE DEFICIENCY. Identifiers: Orphanet 2609, MedGen C1838979, MeSH C537475, MONDO:0100133.
Leigh syndrome (NULS). Also called: Leigh Disease; Subacute necrotizing encephalopathy; Necrotizing encephalopathy infantile subacute of Leigh; LEIGH SYNDROME, NUCLEAR; Leigh's necrotizing encephalopathy; Leigh's disease. Identifiers: Orphanet 506, MedGen C2931891, MONDO:0009723, OMIM 256000.
Mitochondrial complex I deficiency, nuclear type 16. Also called: Mitochondrial complex 1 deficiency, nuclear type 16. Identifiers: MedGen C4748785, MONDO:0032621, OMIM 618238.

Allele frequency attached by ClinVar (database versions not stated): gnomAD 0.00001; ExAC 0.00002; TOPMed 0.00003; gnomAD exomes 0.00004 and 0.00007; ESP Exome Variant Server 0.00008.

Submissions (6):

Natera, Inc.
Classification: Likely pathogenic for Mitochondrial complex I deficiency. Last evaluated: 2025-03-21. Review status: criteria provided, single submitter. Criteria: Natera Variant Classification Schema (03/2026). Collection method: clinical testing. Allele origin: germline.
Comment: The c.604C>T variant in NDUFAF5 is a nonsense variant predicted to introduce a stop codon at amino acid 202. This variant is expected to result in nonsense mediated decay, truncation, or a dysfunctional protein product. This variant is rare in the general population with a frequency below the threshold expected for the associated phenotype(s). Given the available evidence, this variant is classified as Likely Pathogenic.

Labcorp Genetics (formerly Invitae), Labcorp
Classification: Pathogenic. Last evaluated: 2024-06-24. Review status: criteria provided, single submitter. Criteria: Invitae Variant Classification Sherloc (09022015). Collection method: clinical testing. Allele origin: germline.
Comment: This sequence change creates a premature translational stop signal (p.Gln202*) in the NDUFAF5 gene. It is expected to result in an absent or disrupted protein product. Loss-of-function variants in NDUFAF5 are known to be pathogenic (PMID: 26275793, 30473481, 32918965). This variant is present in population databases (rs368690277, gnomAD 0.007%). This variant has not been reported in the literature in individuals affected with NDUFAF5-related conditions. ClinVar contains an entry for this variant (Variation ID: 1321429). For these reasons, this variant has been classified as Pathogenic.

Baylor Genetics
Classification: Likely pathogenic for Mitochondrial complex I deficiency, nuclear type 16. Last evaluated: 2024-03-20. Review status: criteria provided, single submitter. Criteria: ACMG Guidelines, 2015. Collection method: clinical testing. Allele origin: unknown.

GeneDx
Classification: Likely pathogenic. Last evaluated: 2023-10-06. Review status: criteria provided, single submitter. Criteria: GeneDx Variant Classification Process June 2021. Collection method: clinical testing. Allele origin: germline. Affected: yes.
Comment: Nonsense variant predicted to result in protein truncation or nonsense mediated decay in a gene for which loss of function is a known mechanism of disease; Not observed at significant frequency in large population cohorts (gnomAD); Has not been previously published as pathogenic or benign to our knowledge

Women's Health and Genetics/Laboratory Corporation of America, LabCorp
Classification: Likely pathogenic for Leigh syndrome. Last evaluated: 2021-10-26. Review status: criteria provided, single submitter. Criteria: LabCorp Variant Classification Summary - May 2015. Collection method: clinical testing. Allele origin: germline.
Comment: Variant summary: NDUFAF5 c.604C>T (p.Gln202X) results in a premature termination codon, predicted to cause a truncation of the encoded protein or absence of the protein due to nonsense mediated decay, which are commonly known mechanisms for disease. The variant allele was found at a frequency of 3.6e-05 in 251392 control chromosomes. To our knowledge, no occurrence of c.604C>T in any affected individual and no experimental evidence demonstrating its impact on protein function have been reported. No clinical diagnostic laboratories have submitted clinical-significance assessments for this variant to ClinVar after 2014. However, another truncation variant nearby (c.583dup/p.Tyr195fs) has been classified as likely pathogenic in ClinVar. Based on the evidence outlined above, the variant was classified as likely pathogenic.

Blueprint Genetics
Classification: Uncertain significance. Last evaluated: 2020-04-20. Review status: criteria provided, single submitter. Criteria: ACMG Guidelines, 2015. Collection method: clinical testing. Allele origin: germline.

Literature cited by the submitters: PubMed 26275793 (cited by Labcorp Genetics (formerly Invitae), Labcorp); PubMed 30473481 (cited by Labcorp Genetics (formerly Invitae), Labcorp); PubMed 32918965 (cited by Labcorp Genetics (formerly Invitae), Labcorp).

NM_024120.5(NDUFAF5):c.604C>T (p.Gln202Ter)

Gene: NDUFAF5 (NADH:ubiquinone oxidoreductase complex assembly factor 5; plus strand). Cytogenetic location: 20p12.1.
Variant type: single nucleotide variant.
Coding change: c.604C>T on transcript NM_024120.5 (MANE Select); coding-DNA position 604, C replaced by T.
Protein change: p.Gln202Ter; replaces glutamine 202 with a stop codon.
Molecular consequence: nonsense. On other transcripts: non-coding transcript variant (7).
Genome position (GRCh38, 1-based): chr20:13,801,570, C>T. VCF-style: chr20-13801570-C-T. GRCh37 (hg19) VCF-style: chr20-13782216-C-T.
Other names: c.520C>T, p.Gln174Ter (NM_001039375.3); c.133C>T, p.Gln45Ter (NM_001352403.2); c.43C>T, p.Gln15Ter (NM_001352406.2, NM_001352407.2); c.604C>T, p.Gln202Ter (NM_001352408.2); short protein forms Q15*, Q174*, Q202*, Q45*.
Identifiers: ClinVar variation 1321429 (VCV001321429.12), dbSNP rs368690277, ClinGen allele CA9767821.